The following is an entry in ClinVar:

NM_198578.4(LRRK2):c.3250A>G (p.Thr1084Ala)

Gene: LRRK2 (leucine rich repeat kinase 2; plus strand). Cytogenetic location: 12q12.
Variant type: single nucleotide variant.
Coding change: c.3250A>G on transcript NM_198578.4 (MANE Select); coding-DNA position 3250, A replaced by G.
Protein change: p.Thr1084Ala; replaces threonine 1084 with alanine.
Molecular consequence: missense variant.
Genome position (GRCh38, 1-based): chr12:40,298,396, A>G. VCF-style: chr12-40298396-A-G. GRCh37 (hg19) VCF-style: chr12-40692198-A-G.
Other names: short protein forms T1084A.
Identifiers: ClinVar variation 1729417 (VCV001729417.2), dbSNP rs2499746321, ClinGen allele CA384414801.

ClinVar aggregate classification (germline): Uncertain significance (1 of 4 stars; one submission).

Conditions:
Inborn genetic diseases. Identifiers: MedGen C0950123, MeSH D030342.

Submission:

Ambry Genetics
Classification: Uncertain significance for Inborn genetic diseases. Last evaluated: 2024-03-28. Review status: criteria provided, single submitter. Criteria: Ambry Variant Classification Scheme 2023. Collection method: clinical testing. Allele origin: germline.
Comment: The p.T1084A variant (also known as c.3250A>G), located in coding exon 24 of the LRRK2 gene, results from an A to G substitution at nucleotide position 3250. The threonine at codon 1084 is replaced by alanine, an amino acid with similar properties. This amino acid position is conserved. In addition, this alteration is predicted to be tolerated by in silico analysis. Since supporting evidence is limited at this time, the clinical significance of this alteration remains unclear.